The following is an entry in ClinVar:

NM_004369.4(COL6A3):c.6967-2A>G

Gene: COL6A3 (collagen type VI alpha 3 chain; minus strand). Cytogenetic location: 2q37.3.
Variant type: single nucleotide variant.
Coding change: c.6967-2A>G on transcript NM_004369.4 (MANE Select); the canonical splice acceptor site of the intron before coding-DNA position 6967, A replaced by G.
Molecular consequence: splice acceptor variant.
Genome position (GRCh38, 1-based): chr2:237,347,871, T>C on the plus strand (A>G on the coding strand, the complement: COL6A3 is on the minus strand). VCF-style: chr2-237347871-T-C. GRCh37 (hg19) VCF-style: chr2-238256514-T-C.
Other names: c.5146-2A>G (NM_057166.5); c.6349-2A>G (NM_057167.4).
Identifiers: ClinVar variation 1941996 (VCV001941996.5), dbSNP rs1325798552, ClinGen allele CA351207529.

ClinVar aggregate classification (germline): Likely pathogenic (1 of 4 stars; one submission).

Conditions:
Bethlem myopathy 1A. Also called: MYOPATHY, BENIGN CONGENITAL, WITH CONTRACTURES; Bethlem myopathy 1; Bethlem Muscular Dystrophy. Identifiers: Orphanet 610, MedGen CN029274, MONDO:0024530, OMIM 158810.

Allele frequency attached by ClinVar (database versions not stated): gnomAD exomes below 0.00001.
gnomAD v4.1: 1 of 1,609,174 alleles (0.000062%); no homozygotes.

Submission:

Labcorp Genetics (formerly Invitae), Labcorp
Classification: Likely pathogenic for Bethlem myopathy 1A. Last evaluated: 2023-12-30. Review status: criteria provided, single submitter. Criteria: Invitae Variant Classification Sherloc (09022015). Collection method: clinical testing. Allele origin: germline.
Comment: This sequence change affects an acceptor splice site in intron 30 of the COL6A3 gene. It is expected to disrupt RNA splicing. Variants that disrupt the donor or acceptor splice site typically lead to a loss of protein function (PMID: 16199547), and loss-of-function variants in COL6A3 are known to be disease-causing for autosomal recessive COL6A3-related conditions (PMID: 21280092, 20976770). However, certain variants affecting donor or acceptor splice sites in the triple helical domain of COL6A3 are expected to result in in-frame exon skipping and have been reported to cause autosomal dominant COL6A3-related conditions (PMID: 18366090). The frequency data for this variant in the population databases is considered unreliable, as metrics indicate poor data quality at this position in the gnomAD database. This variant has not been reported in the literature in individuals affected with COL6A3-related conditions. ClinVar contains an entry for this variant (Variation ID: 1941996). Algorithms developed to predict the effect of sequence changes on RNA splicing suggest that this variant may disrupt the consensus splice site. In summary, the currently available evidence indicates that the variant is pathogenic, but additional data are needed to prove that conclusively. Therefore, this variant has been classified as Likely Pathogenic.

Literature cited by the submitters: PubMed 16199547; PubMed 21280092; PubMed 20976770; PubMed 18366090.